The following is an entry in ClinVar:

NM_014915.3(ANKRD26):c.2420C>T (p.Thr807Met)

Gene: ANKRD26 (ankyrin repeat domain 26; minus strand). Cytogenetic location: 10p12.1.
Variant type: single nucleotide variant.
Coding change: c.2420C>T on transcript NM_014915.3 (MANE Select); coding-DNA position 2420, C replaced by T.
Protein change: p.Thr807Met; replaces threonine 807 with methionine.
Molecular consequence: missense variant.
Genome position (GRCh38, 1-based): chr10:27,038,010, G>A on the plus strand (C>T on the coding strand, the complement: ANKRD26 is on the minus strand). VCF-style: chr10-27038010-G-A. GRCh37 (hg19) VCF-style: chr10-27326939-G-A.
Other names: c.2417C>T, p.Thr806Met (NM_001256053.2); short protein forms T806M, T807M.
Identifiers: ClinVar variation 1336062 (VCV001336062.12), dbSNP rs955032293, ClinGen allele CA204450856.

ClinVar aggregate classification (germline): Conflicting classifications of pathogenicity. Review status: criteria provided, conflicting classifications (1 of 4 stars). 4 submissions from 4 submitters: Uncertain significance (3); Likely benign (1). Last evaluated 2026-07-20.

Conditions:
Inborn genetic diseases. Identifiers: MedGen C0950123, MeSH D030342.

Allele frequency attached by ClinVar (database versions not stated): gnomAD 0.00003; gnomAD exomes 0.00003.

Submissions (4):

Ambry Genetics
Classification: Likely benign for Inborn genetic diseases. Last evaluated: 2026-07-20. Review status: criteria provided, single submitter. Criteria: Ambry Variant Classification Scheme 2023. Collection method: clinical testing. Allele origin: germline.

Labcorp Genetics (formerly Invitae), Labcorp
Classification: Uncertain significance. Last evaluated: 2025-11-03. Review status: criteria provided, single submitter. Criteria: Invitae Variant Classification Sherloc (09022015). Collection method: clinical testing. Allele origin: germline.
Comment: This sequence change replaces threonine, which is neutral and polar, with methionine, which is neutral and non-polar, at codon 807 of the ANKRD26 protein (p.Thr807Met). The frequency data for this variant in the population databases is considered unreliable, as metrics indicate poor data quality at this position in the gnomAD database. This variant has not been reported in the literature in individuals affected with ANKRD26-related conditions. ClinVar contains an entry for this variant (Variation ID: 1336062). An algorithm developed to predict the effect of missense changes on protein structure and function outputs the following: PolyPhen-2: "Benign". The methionine amino acid residue is found in multiple mammalian species, which suggests that this missense change does not adversely affect protein function. In summary, the available evidence is currently insufficient to determine the role of this variant in disease. Therefore, it has been classified as a Variant of Uncertain Significance.

Genetic Services Laboratory, University of Chicago
Classification: Uncertain significance. Last evaluated: 2021-09-21. Review status: criteria provided, single submitter. Criteria: ACMG Guidelines, 2015. Collection method: clinical testing. Allele origin: germline. Affected: no.
Comment: This sequence change does not appear to have been previously described in patients with ANKRD26-related disorders and has been described in the gnomAD database with a low population frequency of 0.0032% (dbSNP rs955032293). The p.Thr807Met change affects a poorly conserved amino acid residue located in a domain of the ANKRD26 protein that is not known to be functional. The p.Thr807Met substitution appears to be benign using several in-silico pathogenicity prediction tools (SIFT, PolyPhen2, Align GVGD, REVEL). Due to these contrasting evidences and the lack of functional studies, the clinical significance of the p.Thr807Met change remains unknown at this time.

Revvity Omics, Revvity
Classification: Uncertain significance. Last evaluated: 2021-07-08. Review status: criteria provided, single submitter. Criteria: ACMG Guidelines, 2015. Collection method: clinical testing. Allele origin: germline.